The following is an entry in ClinVar:

ClinVar aggregate classification (germline): Uncertain significance (1 of 4 stars; one submission).

Conditions:
COQ8B-related disorder. Also called: COQ8B-related condition.

Submission:

PreventionGenetics, part of Exact Sciences
Classification: Uncertain significance for COQ8B-related condition. Last evaluated: 2022-09-25. Review status: criteria provided, single submitter. Criteria: ACMG Guidelines, 2015. Collection method: clinical testing. Allele origin: germline.
Comment: The COQ8B c.1106A>C variant is predicted to result in the amino acid substitution p.Asn369Thr. To our knowledge, this variant has not been reported in the literature or in a large population database, indicating this variant is rare. At this time, the clinical significance of this variant is uncertain due to the absence of conclusive functional and genetic evidence.

NM_024876.4(COQ8B):c.1106A>C (p.Asn369Thr)

Gene: COQ8B (coenzyme Q8B; minus strand). Cytogenetic location: 19q13.2.
Variant type: single nucleotide variant.
Coding change: c.1106A>C on transcript NM_024876.4 (MANE Select); coding-DNA position 1106, A replaced by C.
Protein change: p.Asn369Thr; replaces asparagine 369 with threonine.
Molecular consequence: missense variant.
Genome position (GRCh38, 1-based): chr19:40,700,104, T>G on the plus strand (A>C on the coding strand, the complement: COQ8B is on the minus strand). VCF-style: chr19-40700104-T-G. GRCh37 (hg19) VCF-style: chr19-41206009-T-G.
Other names: c.983A>C, p.Asn328Thr (NM_001142555.3); short protein forms N328T, N369T.
Identifiers: ClinVar variation 2628434 (VCV002628434.1), dbSNP rs1424180100, ClinGen allele CA405960076.